The following is an entry in ClinVar:

ClinVar aggregate classification (germline): Uncertain significance (1 of 4 stars; one submission).

Submission:

Labcorp Genetics (formerly Invitae), Labcorp
Classification: Uncertain significance. Last evaluated: 2023-08-29. Review status: criteria provided, single submitter. Criteria: Invitae Variant Classification Sherloc (09022015). Collection method: clinical testing. Allele origin: germline.
Comment: An algorithm developed to predict the effect of missense changes on protein structure and function (PolyPhen-2) suggests that this variant is likely to be tolerated. This variant has not been reported in the literature in individuals affected with CLCN6-related conditions. This variant is not present in population databases (gnomAD no frequency). This sequence change replaces arginine, which is basic and polar, with proline, which is neutral and non-polar, at codon 861 of the CLCN6 protein (p.Arg861Pro). In summary, the available evidence is currently insufficient to determine the role of this variant in disease. Therefore, it has been classified as a Variant of Uncertain Significance.

NM_001286.5(CLCN6):c.2582G>C (p.Arg861Pro)

Gene: CLCN6 (chloride voltage-gated channel 6; plus strand). Cytogenetic location: 1p36.22.
Variant type: single nucleotide variant.
Coding change: c.2582G>C on transcript NM_001286.5 (MANE Select); coding-DNA position 2582, G replaced by C.
Protein change: p.Arg861Pro; replaces arginine 861 with proline.
Molecular consequence: missense variant. On other transcripts: non-coding transcript variant (1).
Genome position (GRCh38, 1-based): chr1:11,840,195, G>C. VCF-style: chr1-11840195-G-C. GRCh37 (hg19) VCF-style: chr1-11900252-G-C.
Other names: c.2516G>C, p.Arg839Pro (NM_001256959.2); short protein forms R839P, R861P.
Identifiers: ClinVar variation 2756323 (VCV002756323.3), dbSNP rs765147699, ClinGen allele CA338447219.